The following is an entry in ClinVar:

NM_017763.6(RNF43):c.1156C>T (p.Arg386Trp)

Gene: RNF43 (ring finger protein 43; minus strand). Cytogenetic location: 17q22.
Variant type: single nucleotide variant.
Coding change: c.1156C>T on transcript NM_017763.6 (MANE Select); coding-DNA position 1156, C replaced by T.
Protein change: p.Arg386Trp; replaces arginine 386 with tryptophan.
Molecular consequence: missense variant.
Genome position (GRCh38, 1-based): chr17:58,358,620, G>A on the plus strand (C>T on the coding strand, the complement: RNF43 is on the minus strand). VCF-style: chr17-58358620-G-A. GRCh37 (hg19) VCF-style: chr17-56435981-G-A.
Other names: c.1156C>T, p.Arg386Trp (NM_001305544.3); c.775C>T, p.Arg259Trp (NM_001305545.2); short protein forms R259W, R386W.
Identifiers: ClinVar variation 2678410 (VCV002678410.3), dbSNP rs777370175, ClinGen allele CA8673227.

ClinVar aggregate classification (germline): Uncertain significance. Review status: criteria provided, multiple submitters, no conflicts (2 of 4 stars). 2 submissions from 2 submitters: Uncertain significance (2). Last evaluated 2024-06-19.

Conditions:
Sessile serrated polyposis cancer syndrome (SSPCS). Identifiers: Orphanet 157798, MedGen C4310714, MONDO:0014919, OMIM 617108.

gnomAD v4.1: 1 of 1,555,174 alleles (0.000064%); highest among the groups gnomAD compares: East Asian, 0.0023%; no homozygotes.

Submissions (2):

Labcorp Genetics (formerly Invitae), Labcorp
Classification: Uncertain significance. Last evaluated: 2024-06-19. Review status: criteria provided, single submitter. Criteria: Invitae Variant Classification Sherloc (09022015). Collection method: clinical testing. Allele origin: germline.
Comment: This sequence change replaces arginine, which is basic and polar, with tryptophan, which is neutral and slightly polar, at codon 386 of the RNF43 protein (p.Arg386Trp). This variant is not present in population databases (gnomAD no frequency). This variant has not been reported in the literature in individuals affected with RNF43-related conditions. Algorithms developed to predict the effect of missense changes on protein structure and function output the following: SIFT: "Not Available"; PolyPhen-2: "Benign"; Align-GVGD: "Not Available". The tryptophan amino acid residue is found in multiple mammalian species, which suggests that this missense change does not adversely affect protein function. In summary, the available evidence is currently insufficient to determine the role of this variant in disease. Therefore, it has been classified as a Variant of Uncertain Significance.

Baylor Genetics
Classification: Uncertain significance for Sessile serrated polyposis cancer syndrome. Last evaluated: 2023-08-14. Review status: criteria provided, single submitter. Criteria: ACMG Guidelines, 2015. Collection method: clinical testing. Allele origin: unknown.